The following is an entry in ClinVar:

ClinVar aggregate classification (germline): Likely benign (1 of 4 stars; one submission).

gnomAD v4.1: 2 of 1,613,824 alleles (0.00012%); highest among the groups gnomAD compares: Non-Finnish European, 0.00017%; no homozygotes.

Submission:

CeGaT Center for Human Genetics Tuebingen
Classification: Likely benign. Last evaluated: 2022-03-01. Review status: criteria provided, single submitter. Criteria: CeGaT Center For Human Genetics Tuebingen Variant Classification Criteria Version 2. Collection method: clinical testing. Allele origin: germline. Affected: yes. Observed: 1 variant allele.
Comment: CRLF1: PM2:Supporting, BP4, BP7

NM_004750.5(CRLF1):c.1005C>A (p.Ala335=)

Gene: CRLF1 (cytokine receptor like factor 1; minus strand). Cytogenetic location: 19p13.11.
Variant type: single nucleotide variant.
Coding change: c.1005C>A on transcript NM_004750.5 (MANE Select); coding-DNA position 1005, C replaced by A.
Protein change: p.Ala335=; no amino-acid change (alanine 335 retained).
Molecular consequence: synonymous variant.
Genome position (GRCh38, 1-based): chr19:18,596,641, G>T on the plus strand (C>A on the coding strand, the complement: CRLF1 is on the minus strand). VCF-style: chr19-18596641-G-T. GRCh37 (hg19) VCF-style: chr19-18707451-G-T.
Identifiers: ClinVar variation 2649584 (VCV002649584.24), dbSNP rs1010700288, ClinGen allele CA306260282.